The following is an entry in ClinVar:

ClinVar aggregate classification (germline): Uncertain significance (1 of 4 stars; one submission).

Allele frequency attached by ClinVar (database versions not stated): gnomAD 0.00001.

Submission:

Labcorp Genetics (formerly Invitae), Labcorp
Classification: Uncertain significance. Last evaluated: 2023-09-11. Review status: criteria provided, single submitter. Criteria: Invitae Variant Classification Sherloc (09022015). Collection method: clinical testing. Allele origin: germline.
Comment: Experimental studies and prediction algorithms are not available or were not evaluated, and the functional significance of this variant is currently unknown. In summary, the available evidence is currently insufficient to determine the role of this variant in disease. Therefore, it has been classified as a Variant of Uncertain Significance. This sequence change affects the initiator methionine of the COL11A2 mRNA. The next in-frame methionine is located at codon 283. This variant is present in population databases (no rsID available, gnomAD 0.01%). This variant has not been reported in the literature in individuals affected with COL11A2-related conditions.

NM_080680.3(COL11A2):c.2T>C (p.Met1Thr)

Gene: COL11A2 (collagen type XI alpha 2 chain; minus strand). Cytogenetic location: 6p21.32.
Variant type: single nucleotide variant.
Coding change: c.2T>C on transcript NM_080680.3 (MANE Select); coding-DNA position 2, T replaced by C.
Protein change: p.Met1Thr; changes the start codon (methionine 1).
Molecular consequence: missense variant, initiator codon variant. On other transcripts: intron variant (1).
Genome position (GRCh38, 1-based): chr6:33,192,239, A>G on the plus strand (T>C on the coding strand, the complement: COL11A2 is on the minus strand). VCF-style: chr6-33192239-A-G. GRCh37 (hg19) VCF-style: chr6-33160016-A-G.
Other names: c.2T>C, p.Met1Thr (NM_001163771.2, NM_001424108.1, NM_080679.3 and 1 more transcripts); c.-765+786T>C (NM_001424111.1); short protein forms M1T.
Identifiers: ClinVar variation 2822689 (VCV002822689.3), dbSNP rs1265620441, ClinGen allele CA363615094.